The following is an entry in ClinVar:

ClinVar aggregate classification (germline): Pathogenic (1 of 4 stars; one submission).

Conditions:
Nephronophthisis 15 (NPHP15). Identifiers: Orphanet 3156, MedGen C3541853, MONDO:0013917, OMIM 614845.

Submission:

Labcorp Genetics (formerly Invitae), Labcorp
Classification: Pathogenic for Nephronophthisis 15. Last evaluated: 2023-08-27. Review status: criteria provided, single submitter. Criteria: Invitae Variant Classification Sherloc (09022015). Collection method: clinical testing. Allele origin: germline.
Comment: For these reasons, this variant has been classified as Pathogenic. This variant has not been reported in the literature in individuals affected with CEP164-related conditions. This variant is not present in population databases (gnomAD no frequency). This sequence change creates a premature translational stop signal (p.Glu512Glyfs*26) in the CEP164 gene. It is expected to result in an absent or disrupted protein product. Loss-of-function variants in CEP164 are known to be pathogenic (PMID: 22863007, 28125082, 32367404, 34132027, 34499853).

Literature cited by the submitters: PubMed 22863007; PubMed 28125082; PubMed 32367404; PubMed 34132027; PubMed 34499853.

NM_014956.5(CEP164):c.1534dup (p.Glu512fs)

Gene: CEP164 (centrosomal protein 164; plus strand). Cytogenetic location: 11q23.3.
Variant type: Duplication.
Coding change: c.1534dup on transcript NM_014956.5 (MANE Select); coding-DNA position 1534, one base duplicated (G; older notation c.1534dupG).
Protein change: p.Glu512fs; shifts the reading frame from glutamic acid 512.
Molecular consequence: frameshift variant.
Genome position (GRCh38, 1-based): chr11:117,381,825, G duplicated; the last of 4 consecutive G bases (chr11:117,381,822-117,381,825); duplicating any one gives the same sequence. VCF-style (leftmost placement, unchanged base first): chr11-117381821-T-TG. GRCh37 (hg19) VCF-style: chr11-117252537-T-TG.
Other names: c.1543dup, p.Glu515fs (NM_001271933.2); short protein forms E512fs, E515fs.
Identifiers: ClinVar variation 2897703 (VCV002897703.3), dbSNP rs2541569380, ClinGen allele CA2616176625.